The following is an entry in ClinVar:

NM_000053.4(ATP7B):c.1932G>A (p.Lys644=)

Gene: ATP7B (ATPase copper transporting beta; minus strand). Cytogenetic location: 13q14.3.
Variant type: single nucleotide variant.
Coding change: c.1932G>A on transcript NM_000053.4 (MANE Select); coding-DNA position 1932, G replaced by A.
Protein change: p.Lys644=; no amino-acid change (lysine 644 retained).
Molecular consequence: synonymous variant. On other transcripts: intron variant (13).
Genome position (GRCh38, 1-based): chr13:51,961,851, C>T on the plus strand (G>A on the coding strand, the complement: ATP7B is on the minus strand). VCF-style: chr13-51961851-C-T. GRCh37 (hg19) VCF-style: chr13-52535987-C-T.
Other names: c.1599G>A, p.Lys533= (NM_001243182.2); c.1932G>A, p.Lys644= (NM_001330578.2, NM_001406511.1, NM_001406512.1 and 16 more transcripts); c.1899G>A, p.Lys633= (NM_001406514.1, NM_001406524.1); c.1836G>A, p.Lys612= (NM_001406517.1, NM_001406518.1, NM_001406530.1 and 1 more transcripts); c.1503G>A, p.Lys501= (NM_001406539.1); c.1869+3021G>A (NM_001406541.1, NM_001406531.1, NM_001406532.1 and 5 more transcripts); c.1773+3021G>A (NM_001406543.1, NM_001406544.1); c.1286-11690G>A (NM_001406548.1); and 1 more.
Identifiers: ClinVar variation 4756282 (VCV004756282.1).

ClinVar aggregate classification (germline): Uncertain significance (1 of 4 stars; one submission).

Conditions:
Wilson disease (WND). Also called: Wilson's disease. Identifiers: Orphanet 905, MedGen C0019202, MONDO:0010200, OMIM 277900. Disease mechanism: loss of function.

Submission:

Color Diagnostics, LLC DBA Color Health
Classification: Uncertain significance for Wilson disease. Last evaluated: 2025-08-11. Review status: criteria provided, single submitter. Criteria: ACMG Guidelines, 2015. Collection method: clinical testing. Allele origin: germline.
Comment: This variant is located in the ATP7B protein. To our knowledge, functional studies have not been reported for this variant. This variant has not been reported in individuals affected with ATP7B-related disorders in the literature. This variant has not been identified in the general population by the Genome Aggregation Database (gnomAD). The available evidence is insufficient to determine the role of this variant in disease conclusively. Therefore, this variant is classified as a Variant of Uncertain Significance.